The following is an entry in ClinVar:

NM_000203.5(IDUA):c.1349C>A (p.Pro450His)

Gene: IDUA (alpha-L-iduronidase; plus strand). Cytogenetic location: 4p16.3.
Variant type: single nucleotide variant.
Coding change: c.1349C>A on transcript NM_000203.5 (MANE Select); coding-DNA position 1349, C replaced by A.
Protein change: p.Pro450His; replaces proline 450 with histidine.
Molecular consequence: missense variant. On other transcripts: non-coding transcript variant (1).
Genome position (GRCh38, 1-based): chr4:1,002,891, C>A. VCF-style: chr4-1002891-C-A. GRCh37 (hg19) VCF-style: chr4-996679-C-A.
Other names: c.953C>A, p.Pro318His (NM_001363576.1); short protein forms P450H, P318H.
Identifiers: ClinVar variation 633271 (VCV000633271.13), dbSNP rs895626490, ClinGen allele CA91170073.
Genomic context (GRCh38, chr4:1,002,891, plus strand): 5'-CGGCCGACGCCTGGCGCGCCGCGGTGCTGATCTACGCGAGCGACGACACCCGCGCCCACC[C>A]CAACCGCAGCGTCGCGGTGACCCTGCGGCTGCGCGGGGTGCCCCCCGGCCCGGGTAAGCC-3'
Protein context (NP_000194.2, residues 440-460): IYASDDTRAH[Pro450His]NRSVAVTLRL

ClinVar aggregate classification (germline): Uncertain significance. Review status: criteria provided, multiple submitters, no conflicts (2 of 4 stars). 7 submissions from 7 submitters: Uncertain significance (6). 1 of the submissions does not count toward it. Last evaluated 2025-01-13.

Conditions:
Hurler syndrome. Also called: MUCOPOLYSACCHARIDOSIS TYPE IH; Severe MPS I (Hurler Syndrome); Gargoylism, Hurler Syndrome. Identifiers: Orphanet 93473, MedGen C0086795, MONDO:0011758, OMIM 607014.
Mucopolysaccharidosis type 1. Also called: IDUA deficiency; MPS I; Mucopolysaccharidosis Type I. Identifiers: Orphanet 579, MedGen C0023786, MONDO:0001586.

Allele frequency attached by ClinVar (database versions not stated): gnomAD exomes 0.00002; TOPMed 0.00008.
gnomAD v4.1: 188 of 1,424,156 alleles (0.013%); highest among the groups gnomAD compares: Non-Finnish European, 0.017%; no homozygotes.

Submissions (7):

Labcorp Genetics (formerly Invitae), Labcorp
Classification: Uncertain significance for Mucopolysaccharidosis type 1. Last evaluated: 2025-01-13. Review status: criteria provided, single submitter. Criteria: Invitae Variant Classification Sherloc (09022015). Collection method: clinical testing. Allele origin: germline.
Comment: This sequence change replaces proline, which is neutral and non-polar, with histidine, which is basic and polar, at codon 450 of the IDUA protein (p.Pro450His). The frequency data for this variant in the population databases is considered unreliable, as metrics indicate poor data quality at this position in the gnomAD database. This variant has not been reported in the literature in individuals affected with IDUA-related conditions. ClinVar contains an entry for this variant (Variation ID: 633271). Invitae Evidence Modeling of protein sequence and biophysical properties (such as structural, functional, and spatial information, amino acid conservation, physicochemical variation, residue mobility, and thermodynamic stability) has been performed for this missense variant. However, the output from this modeling did not meet the statistical confidence thresholds required to predict the impact of this variant on IDUA protein function. In summary, the available evidence is currently insufficient to determine the role of this variant in disease. Therefore, it has been classified as a Variant of Uncertain Significance.

Baylor Genetics
Classification: Uncertain significance for Mucopolysaccharidosis, type I. Last evaluated: 2022-11-10. Review status: criteria provided, single submitter. Criteria: ACMG Guidelines, 2015. Collection method: clinical testing. Allele origin: unknown.

Knight Diagnostic Laboratories, Oregon Health and Sciences University
Classification: Uncertain significance for Mucopolysaccharidosis Ih. Last evaluated: 2019-11-18. Review status: criteria provided, single submitter. Criteria: ACMG Guidelines, 2015. Collection method: clinical testing. Allele origin: germline. Observed: 1 variant allele.

Illumina Laboratory Services, Illumina
Classification: Uncertain significance for Mucopolysaccharidosis type 1. Last evaluated: 2018-01-13. Review status: criteria provided, single submitter. Criteria: ICSL Variant Classification Criteria 13 December 2019. Collection method: clinical testing. Allele origin: germline.

Women's Health and Genetics/Laboratory Corporation of America, LabCorp
Classification: Uncertain significance. Last evaluated: 2017-12-07. Review status: criteria provided, single submitter. Criteria: LabCorp Variant Classification Summary - May 2015. Collection method: clinical testing. Allele origin: germline.
Comment: Variant summary: The IDUA c.1349C>A (p.Pro450His) variant involves the alteration of a conserved nucleotide. 2/3 in silico tools predict a damaging outcome for this variant (SNPsandGO and MutationTaster not captured due to low reliability index). This variant was found in 3/30770 control chromosomes at a frequency of 0.0000975, which does not exceed the estimated maximal expected allele frequency of a pathogenic IDUA variant (0.0026926). The variant of interest has not, to our knowledge, been reported in affected individuals via publications and/or reputable databases/clinical diagnostic laboratories; nor evaluated for functional impact by in vivo/vitro studies. Because of the absence of clinical information and the lack of functional studies, the variant is classified as a variant of uncertain significance (VUS) until additional information becomes available.

Breakthrough Genomics
Classification: Uncertain significance. Review status: criteria provided, single submitter. Criteria: ACMG Guidelines, 2015. Collection method: not provided. Allele origin: germline. Inheritance: Autosomal recessive inheritance. Affected: yes.

Natera, Inc.
Classification: Uncertain significance for Mucopolysaccharidosis type I. Last evaluated: 2020-01-24. Review status: no assertion criteria provided. Collection method: clinical testing. Allele origin: germline. Not counted in ClinVar's aggregate classification.